The following is an entry in ClinVar:

NM_004612.4(TGFBR1):c.959T>C (p.Ile320Thr)

Gene: TGFBR1 (transforming growth factor beta receptor 1; plus strand). Cytogenetic location: 9q22.33.
Variant type: single nucleotide variant.
Coding change: c.959T>C on transcript NM_004612.4 (MANE Select); coding-DNA position 959, T replaced by C.
Protein change: p.Ile320Thr; replaces isoleucine 320 with threonine.
Molecular consequence: missense variant.
Genome position (GRCh38, 1-based): chr9:99,142,689, T>C. VCF-style: chr9-99142689-T-C. GRCh37 (hg19) VCF-style: chr9-101904971-T-C.
Other names: c.728T>C, p.Ile243Thr (NM_001130916.3); c.971T>C, p.Ile324Thr (NM_001306210.2); short protein forms I320T, I243T, I324T.
Identifiers: ClinVar variation 520218 (VCV000520218.6), dbSNP rs1554701491, ClinGen allele CA374230817.

ClinVar aggregate classification (germline): Uncertain significance. Review status: criteria provided, multiple submitters, no conflicts (2 of 4 stars). 2 submissions from 2 submitters: Uncertain significance (2). Last evaluated 2025-11-24.

Conditions:
Familial thoracic aortic aneurysm and aortic dissection (TAAD). Also called: Thoracic aortic aneurysms and dissections. Identifiers: Orphanet 91387, MedGen C4707243, MONDO:0019625.

Submissions (2):

Labcorp Genetics (formerly Invitae), Labcorp
Classification: Uncertain significance for Familial thoracic aortic aneurysm and aortic dissection. Last evaluated: 2025-11-24. Review status: criteria provided, single submitter. Criteria: Invitae Variant Classification Sherloc (09022015). Collection method: clinical testing. Allele origin: germline.
Comment: This sequence change replaces isoleucine, which is neutral and non-polar, with threonine, which is neutral and polar, at codon 320 of the TGFBR1 protein (p.Ile320Thr). This variant is not present in population databases (gnomAD no frequency). This variant has not been reported in the literature in individuals affected with TGFBR1-related conditions. ClinVar contains an entry for this variant (Variation ID: 520218). Invitae Evidence Modeling of protein sequence and biophysical properties (such as structural, functional, and spatial information, amino acid conservation, physicochemical variation, residue mobility, and thermodynamic stability) indicates that this missense variant is expected to disrupt TGFBR1 protein function with a positive predictive value of 80%. In summary, the available evidence is currently insufficient to determine the role of this variant in disease. Therefore, it has been classified as a Variant of Uncertain Significance.

Ambry Genetics
Classification: Uncertain significance for Familial thoracic aortic aneurysm and aortic dissection. Last evaluated: 2016-03-15. Review status: criteria provided, single submitter. Criteria: Ambry Variant Classification Scheme 2023. Collection method: clinical testing. Allele origin: germline.
Comment: The p.I320T variant (also known as c.959T>C), located in coding exon 5 of the TGFBR1 gene, results from a T to C substitution at nucleotide position 959. The isoleucine at codon 320 is replaced by threonine, an amino acid with similar properties. This variant was not reported in population based cohorts in the following databases: Database of Single Nucleotide Polymorphisms (dbSNP), NHLBI Exome Sequencing Project (ESP), and 1000 Genomes Project. In the ESP, this variant was not observed in 6503 samples (13006 alleles) with coverage at this position. This amino acid position is highly conserved in available vertebrate species. In addition, this alteration is predicted to be deleterious by in silico analysis. Since supporting evidence is limited at this time, the clinical significance of this alteration remains unclear.